The following is an entry in ClinVar:

NM_001363.5(DKC1):c.1033A>G (p.Met345Val)

Gene: DKC1 (dyskerin pseudouridine synthase 1; plus strand). Cytogenetic location: Xq28.
Variant type: single nucleotide variant.
Coding change: c.1033A>G on transcript NM_001363.5 (MANE Select); coding-DNA position 1033, A replaced by G.
Protein change: p.Met345Val; replaces methionine 345 with valine.
Molecular consequence: missense variant. On other transcripts: non-coding transcript variant (3).
Genome position (GRCh38, 1-based): chrX:154,770,876, A>G. VCF-style: chrX-154770876-A-G. GRCh37 (hg19) VCF-style: chrX-153999151-A-G.
Other names: c.1033A>G, p.Met345Val (NM_001142463.3, NM_001288747.2); short protein forms M345V.
Identifiers: ClinVar variation 4754677 (VCV004754677.2).
Genomic context (GRCh38, chrX:154,770,876, plus strand): 5'-GACGGCATTGAGGTCAATCAGGAGATTGTGGTTATCACCACCAAAGGAGAAGCAATCTGC[A>G]TGGGTAAGAGGGGATGTTTATTTTTTAAATTCTAAATGTTTGTGGTTACATACTAGGTGT-3'
Protein context (NP_001354.1, residues 335-355): VITTKGEAIC[Met345Val]AIALMTTAVI

ClinVar aggregate classification (germline): Uncertain significance. Review status: criteria provided, multiple submitters, no conflicts (2 of 4 stars). 2 submissions from 2 submitters: Uncertain significance (2). Last evaluated 2026-07-01.

Conditions:
Dyskeratosis congenita. Identifiers: Orphanet 1775, MedGen C0265965, MONDO:0015780.

gnomAD v4.1: 1 of 1,209,493 alleles (0.000083%); highest among the groups gnomAD compares: Non-Finnish European, 0.00011%; no homozygotes.

Submissions (2):

Ambry Genetics
Classification: Uncertain significance for Dyskeratosis congenita. Last evaluated: 2026-07-01. Review status: criteria provided, single submitter. Criteria: Ambry Variant Classification Scheme 2023. Collection method: clinical testing. Allele origin: germline.
Comment: The p.M345V variant (also known as c.1033A>G), located in coding exon 10 of the DKC1 gene, results from an A to G substitution at nucleotide position 1033. The methionine at codon 345 is replaced by valine, an amino acid with highly similar properties. This amino acid position is conserved. In addition, this alteration is predicted to be tolerated by in silico analysis. Based on the available evidence, the clinical significance of this variant remains unclear.

Labcorp Genetics (formerly Invitae), Labcorp
Classification: Uncertain significance for Dyskeratosis congenita. Last evaluated: 2025-06-22. Review status: criteria provided, single submitter. Criteria: Invitae Variant Classification Sherloc (09022015). Collection method: clinical testing. Allele origin: germline.
Comment: This sequence change replaces methionine, which is neutral and non-polar, with valine, which is neutral and non-polar, at codon 345 of the DKC1 protein (p.Met345Val). This variant is not present in population databases (gnomAD no frequency). This variant has not been reported in the literature in individuals affected with DKC1-related conditions. Invitae Evidence Modeling of protein sequence and biophysical properties (such as structural, functional, and spatial information, amino acid conservation, physicochemical variation, residue mobility, and thermodynamic stability) indicates that this missense variant is not expected to disrupt DKC1 protein function with a negative predictive value of 80%. In summary, the available evidence is currently insufficient to determine the role of this variant in disease. Therefore, it has been classified as a Variant of Uncertain Significance.